The following is an entry in ClinVar:

NM_000443.4(ABCB4):c.1687T>C (p.Leu563=)

Gene: ABCB4 (ATP binding cassette subfamily B member 4; minus strand). Cytogenetic location: 7q21.12.
Variant type: single nucleotide variant.
Coding change: c.1687T>C on transcript NM_000443.4 (MANE Select); coding-DNA position 1687, T replaced by C.
Protein change: p.Leu563=; no amino-acid change (leucine 563 retained).
Molecular consequence: synonymous variant.
Genome position (GRCh38, 1-based): chr7:87,439,711, A>G on the plus strand (T>C on the coding strand, the complement: ABCB4 is on the minus strand). VCF-style: chr7-87439711-A-G. GRCh37 (hg19) VCF-style: chr7-87069027-A-G.
Other names: c.1687T>C (NM_000443.3); c.1687T>C, p.Leu563= (NM_018849.3, NM_018850.3).
Identifiers: ClinVar variation 2724605 (VCV002724605.4), dbSNP rs370315075, ClinGen allele CA4327244.

ClinVar aggregate classification (germline): Likely benign. Review status: criteria provided, multiple submitters, no conflicts (2 of 4 stars). 2 submissions from 2 submitters: Likely benign (2). Last evaluated 2026-05-26.

Conditions:
ABCB4-related disorder. Also called: ABCB4-related disorders; ABCB4-related condition.

Allele frequency attached by ClinVar (database versions not stated): gnomAD 0.00003; TOPMed 0.00006; gnomAD exomes 0.00007; ExAC 0.00008; ESP Exome Variant Server 0.00015.
gnomAD v4.1: 114 of 1,613,966 alleles (0.0071%); highest among the groups gnomAD compares: Non-Finnish European, 0.0087%; no homozygotes.

Submissions (2):

PreventionGenetics, part of Exact Sciences
Classification: Likely benign for ABCB4-related condition. Last evaluated: 2026-05-26. Review status: criteria provided, single submitter. Criteria: ACMG Guidelines, 2015. Collection method: clinical testing. Allele origin: germline.
Comment: This variant is classified as likely benign based on ACMG/AMP sequence variant interpretation guidelines (Richards et al. 2015 PMID: 25741868, with internal and published modifications).

Labcorp Genetics (formerly Invitae), Labcorp
Classification: Likely benign. Last evaluated: 2024-04-01. Review status: criteria provided, single submitter. Criteria: Invitae Variant Classification Sherloc (09022015). Collection method: clinical testing. Allele origin: germline.